The following is an entry in ClinVar:

ClinVar aggregate classification (germline): Likely benign (0 of 4 stars; one submission).

Conditions:
RAB43-related disorder. Also called: RAB43-related condition.

Allele frequency attached by ClinVar (database versions not stated): gnomAD exomes 0.00003; gnomAD 0.00007; TOPMed 0.00011; ExAC 0.00019.
gnomAD v4.1: 60 of 1,612,290 alleles (0.0037%); highest among the groups gnomAD compares: East Asian, 0.1%; no homozygotes.

Submission:

PreventionGenetics, part of Exact Sciences
Classification: Likely benign for RAB43-related condition. Last evaluated: 2022-12-27. Review status: no assertion criteria provided. Collection method: clinical testing. Allele origin: germline.
Comment: This variant is classified as likely benign based on ACMG/AMP sequence variant interpretation guidelines (Richards et al. 2015 PMID: 25741868, with internal and published modifications).

NM_198490.3(RAB43):c.357T>C (p.Tyr119=)

Genes: ISY1-RAB43 (ISY1-RAB43 readthrough; minus strand), RAB43 (RAB43, member RAS oncogene family; minus strand). Cytogenetic location: 3q21.3.
Variant type: single nucleotide variant.
Coding change: c.357T>C on transcript NM_198490.3 (MANE Select); coding-DNA position 357, T replaced by C.
Protein change: p.Tyr119=; no amino-acid change (tyrosine 119 retained).
Molecular consequence: synonymous variant. On other transcripts: 3 prime UTR variant (2).
Genome position (GRCh38, 1-based): chr3:129,095,017, A>G on the plus strand (T>C on the coding strand, the complement: RAB43 is on the minus strand). VCF-style: chr3-129095017-A-G. GRCh37 (hg19) VCF-style: chr3-128813860-A-G.
Other names: c.*8T>C (NM_001204890.2); c.357T>C, p.Tyr119= (NM_001204883.2, NM_001204884.2, NM_001204885.1 and 2 more transcripts); c.*16T>C (NM_001204888.2).
Identifiers: ClinVar variation 3050338 (VCV003050338.2), dbSNP rs770242552, ClinGen allele CA2602835.